The following is an entry in ClinVar:

NM_000245.4(MET):c.1171G>A (p.Gly391Arg)

Gene: MET (MET proto-oncogene, receptor tyrosine kinase; plus strand). Cytogenetic location: 7q31.2.
Variant type: single nucleotide variant.
Coding change: c.1171G>A on transcript NM_000245.4 (MANE Select); coding-DNA position 1171, G replaced by A.
Protein change: p.Gly391Arg; replaces glycine 391 with arginine.
Molecular consequence: missense variant. On other transcripts: intron variant (1).
Genome position (GRCh38, 1-based): chr7:116,700,255, G>A. VCF-style: chr7-116700255-G-A. GRCh37 (hg19) VCF-style: chr7-116340309-G-A.
Other names: c.-91+27678G>A (NM_001324402.2); c.1171G>A, p.Gly391Arg (NM_001127500.3, NM_001324401.3); c.1171G>A (NM_001127500.2); short protein forms G391R.
Identifiers: ClinVar variation 134648 (VCV000134648.17), dbSNP rs587778443, ClinGen allele CA160436.

ClinVar aggregate classification (germline): Uncertain significance. Review status: criteria provided, multiple submitters, no conflicts (2 of 4 stars). 5 submissions from 5 submitters: Uncertain significance (4). 1 of the submissions does not count toward it. Last evaluated 2025-12-04.

Conditions:
Renal cell carcinoma. Identifiers: Orphanet 217071, MedGen C0007134, MeSH D002292, MONDO:0005086, HP:0005584.
Hereditary cancer-predisposing syndrome. Also called: Tumor predisposition; Hereditary neoplastic syndrome; Neoplastic Syndromes, Hereditary; Hereditary Cancer Syndrome. Identifiers: Orphanet 140162, MedGen C0027672, MeSH D009386, MONDO:0015356.
Papillary renal cell carcinoma type 1 (RCCP1). Also called: RENAL CELL CARCINOMA, PAPILLARY, 1, SOMATIC; Renal adenocarcinoma; Renal cell carcinoma 1; Renal cell carcinoma, somatic. Identifiers: Orphanet 47044, MedGen C1336839, OMIM 605074, HP:0011797.

Allele frequency attached by ClinVar (database versions not stated): gnomAD 0.00001; gnomAD exomes 0.00001; TOPMed 0.00001.
gnomAD v4.1: 11 of 1,603,062 alleles (0.00069%); highest among the groups gnomAD compares: African/African-American, 0.0027%; no homozygotes.

Submissions (5):

Labcorp Genetics (formerly Invitae), Labcorp
Classification: Uncertain significance for Renal cell carcinoma. Last evaluated: 2025-12-04. Review status: criteria provided, single submitter. Criteria: Invitae Variant Classification Sherloc (09022015). Collection method: clinical testing. Allele origin: germline.
Comment: This sequence change replaces glycine, which is neutral and non-polar, with arginine, which is basic and polar, at codon 391 of the MET protein (p.Gly391Arg). The frequency data for this variant in the population databases is considered unreliable, as metrics indicate poor data quality at this position in the gnomAD database. This variant has not been reported in the literature in individuals affected with MET-related conditions. ClinVar contains an entry for this variant (Variation ID: 134648). Invitae Evidence Modeling of protein sequence and biophysical properties (such as structural, functional, and spatial information, amino acid conservation, physicochemical variation, residue mobility, and thermodynamic stability) indicates that this missense variant is not expected to disrupt MET protein function with a negative predictive value of 80%. In summary, the available evidence is currently insufficient to determine the role of this variant in disease. Therefore, it has been classified as a Variant of Uncertain Significance.

Quest Diagnostics Nichols Institute San Juan Capistrano
Classification: Uncertain significance. Last evaluated: 2025-03-08. Review status: criteria provided, single submitter. Criteria: Quest Diagnostics criteria. Collection method: clinical testing. Allele origin: unknown.

Ambry Genetics
Classification: Uncertain significance for Hereditary cancer-predisposing syndrome. Last evaluated: 2025-01-15. Review status: criteria provided, single submitter. Criteria: Ambry Variant Classification Scheme 2023. Collection method: clinical testing. Allele origin: germline.
Comment: The p.G391R variant (also known as c.1171G>A), located in coding exon 1 of the MET gene, results from a G to A substitution at nucleotide position 1171. The glycine at codon 391 is replaced by arginine, an amino acid with dissimilar properties. This amino acid position is well conserved in available vertebrate species. In addition, the in silico prediction for this alteration is inconclusive. Since supporting evidence is limited at this time, the clinical significance of this alteration remains unclear.

Mendelics
Classification: Uncertain significance for Renal cell carcinoma, papillary, 1. Last evaluated: 2018-07-02. Review status: criteria provided, single submitter. Criteria: Mendelics Assertion Criteria 2017. Collection method: clinical testing. Allele origin: unknown.

ITMI
No classification provided. Condition: AllHighlyPenetrant. Last evaluated: 2013-09-19. Review status: no classification provided. Collection method: reference population. Allele origin: germline. Not counted in ClinVar's aggregate classification.
Comment: Please see associated publication for description of ethnicities

Literature cited by the submitters: PubMed 24728327 (cited by ITMI).